The following is an entry in ClinVar:

NM_024009.3(GJB3):c.64C>T (p.Arg22Cys)

Gene: GJB3 (gap junction protein beta 3; plus strand). Cytogenetic location: 1p34.3.
Variant type: single nucleotide variant.
Coding change: c.64C>T on transcript NM_024009.3 (MANE Select); coding-DNA position 64, C replaced by T.
Protein change: p.Arg22Cys; replaces arginine 22 with cysteine.
Molecular consequence: missense variant.
Genome position (GRCh38, 1-based): chr1:34,784,826, C>T. VCF-style: chr1-34784826-C-T. GRCh37 (hg19) VCF-style: chr1-35250427-C-T.
Other names: c.64C>T, p.Arg22Cys (NM_001005752.2); short protein forms R22C.
Identifiers: ClinVar variation 178350 (VCV000178350.7), dbSNP rs145247495, ClinGen allele CA182156.

ClinVar aggregate classification (germline): Uncertain significance. Review status: criteria provided, multiple submitters, no conflicts (2 of 4 stars). 2 submissions from 2 submitters: Uncertain significance (2). Last evaluated 2024-01-17.

Allele frequency attached by ClinVar (database versions not stated): gnomAD 0.00001 and 0.00003; TOPMed 0.00003; ExAC 0.00008; gnomAD exomes 0.00008; ESP Exome Variant Server 0.00015; 1000 Genomes Project 30x 0.00031; 1000 Genomes Project 0.00040.
gnomAD v4.1: 86 of 1,614,214 alleles (0.0053%); highest among the groups gnomAD compares: South Asian, 0.064%; no homozygotes.

Submissions (2):

GeneDx
Classification: Uncertain significance. Last evaluated: 2024-01-17. Review status: criteria provided, single submitter. Criteria: GeneDx Variant Classification Process June 2021. Collection method: clinical testing. Allele origin: germline. Affected: yes.
Comment: In silico analysis supports that this missense variant has a deleterious effect on protein structure/function; Has not been previously published as pathogenic or benign to our knowledge

Laboratory for Molecular Medicine, Mass General Brigham Personalized Medicine
Classification: Uncertain significance. Last evaluated: 2014-08-07. Review status: criteria provided, single submitter. Criteria: LMM Criteria. Collection method: clinical testing. Allele origin: germline. Observed: 1 variant allele.
Comment: The Arg22Cys variant in GJB3 has not been previously reported in individuals wit h hearing loss, but has been identified in 2/8600 of European American chromosom es by the NHLBI Exome Sequencing Project (dbS NP rs145247495). Computational prediction tools and conservation analysis sugges t that this variant may impact the protein, though this information is not predi ctive enough to determine pathogenicity. In summary, the clinical significance o f the Arg22Cys variant is uncertain.